The following is an entry in ClinVar:

NM_001365951.3(KIF1B):c.586A>C (p.Met196Leu)

Gene: KIF1B (kinesin family member 1B; plus strand). Cytogenetic location: 1p36.22.
Variant type: single nucleotide variant.
Coding change: c.586A>C on transcript NM_001365951.3 (MANE Select); coding-DNA position 586, A replaced by C.
Protein change: p.Met196Leu; replaces methionine 196 with leucine.
Molecular consequence: missense variant.
Genome position (GRCh38, 1-based): chr1:10,267,536, A>C. VCF-style: chr1-10267536-A-C. GRCh37 (hg19) VCF-style: chr1-10327594-A-C.
Other names: c.586A>C, p.Met196Leu (NM_001365952.1, NM_001365953.1, NM_015074.3 and 1 more transcripts); short protein forms M196L.
Identifiers: ClinVar variation 4043145 (VCV004043145.1).

ClinVar aggregate classification (germline): Uncertain significance (1 of 4 stars; one submission).

Submission:

Ambry Genetics
Classification: Uncertain significance. Last evaluated: 2025-05-23. Review status: criteria provided, single submitter. Criteria: Ambry Variant Classification Scheme 2023. Collection method: clinical testing. Allele origin: germline.
Comment: The p.M196L variant (also known as c.586A>C), located in coding exon 5 of the KIF1B gene, results from an A to C substitution at nucleotide position 586. The methionine at codon 196 is replaced by leucine, an amino acid with highly similar properties. This amino acid position is conserved. In addition, the in silico prediction for this alteration is inconclusive. Based on the available evidence, the clinical significance of this variant remains unclear.